The following is an entry in ClinVar:

NM_001379291.1(BRD4):c.2909_2923dup (p.Pro974_Pro975insLeuGlnGlnGlnPro)

Gene: BRD4 (bromodomain containing 4; minus strand). Cytogenetic location: 19p13.12.
Variant type: Duplication.
Coding change: c.2909_2923dup on transcript NM_001379291.1 (MANE Select); coding-DNA positions 2909 to 2923, 15 bases duplicated (TGCAGCAGCAGCCGC).
Protein change: p.Pro974_Pro975insLeuGlnGlnGlnPro.
Molecular consequence: inframe insertion.
Genome position (GRCh38, 1-based): chr19:15,243,146-15,243,160, GCGGCTGCTGCTGCA duplicated on the plus strand (TGCAGCAGCAGCCGC on the coding strand, the reverse complement: BRD4 is on the minus strand); duplicating any 15 consecutive bases within chr19:15,243,146-15,243,162 gives the same sequence; the c. name uses the placement nearest the transcript's 3' end. VCF-style (leftmost placement, unchanged base first): chr19-15243145-G-GGCGGCTGCTGCTGCA. GRCh37 (hg19) VCF-style: chr19-15353956-G-GGCGGCTGCTGCTGCA.
Other names: c.2909_2923dup, p.Pro974_Pro975insLeuGlnGlnGlnPro (NM_058243.3); c.2909_2923dup15 (NM_058243.2).
Identifiers: ClinVar variation 2126109 (VCV002126109.6), dbSNP rs1555735393, ClinGen allele CA9264852.

ClinVar aggregate classification (germline): Benign. Review status: criteria provided, single submitter (1 of 4 stars). 2 submissions from 2 submitters: Benign (1). 1 of the submissions does not count toward it. Last evaluated 2025-12-27.

Conditions:
BRD4-related disorder. Also called: BRD4-related condition.

Submissions (2):

Labcorp Genetics (formerly Invitae), Labcorp
Classification: Benign. Last evaluated: 2025-12-27. Review status: criteria provided, single submitter. Criteria: Invitae Variant Classification Sherloc (09022015). Collection method: clinical testing. Allele origin: germline.

PreventionGenetics, part of Exact Sciences
Classification: Likely benign for BRD4-related condition. Last evaluated: 2022-07-25. Review status: no assertion criteria provided. Collection method: clinical testing. Allele origin: germline. Not counted in ClinVar's aggregate classification.
Comment: This variant is classified as likely benign based on ACMG/AMP sequence variant interpretation guidelines (Richards et al. 2015 PMID: 25741868, with internal and published modifications).